The following is an entry in ClinVar:

NM_015978.3(TNNI3K):c.253C>G (p.Arg85Gly)

Genes: FPGT-TNNI3K (FPGT-TNNI3K readthrough; plus strand), TNNI3K (TNNI3 interacting kinase; plus strand). Cytogenetic location: 1p31.1.
Variant type: single nucleotide variant.
Coding change: c.253C>G on transcript NM_015978.3 (MANE Select); coding-DNA position 253, C replaced by G.
Protein change: p.Arg85Gly; replaces arginine 85 with glycine.
Molecular consequence: missense variant.
Genome position (GRCh38, 1-based): chr1:74,250,689, C>G. VCF-style: chr1-74250689-C-G. GRCh37 (hg19) VCF-style: chr1-74716373-C-G.
Other names: c.556C>G, p.Arg186Gly (NM_001112808.3, NM_001199327.2); short protein forms R186G, R85G.
Identifiers: ClinVar variation 3003737 (VCV003003737.3), dbSNP rs752068095, ClinGen allele CA908838.

ClinVar aggregate classification (germline): Uncertain significance (1 of 4 stars; one submission).

gnomAD v4.1: 25 of 1,610,860 alleles (0.0016%); highest among the groups gnomAD compares: South Asian, 0.026%; no homozygotes.

Submission:

Labcorp Genetics (formerly Invitae), Labcorp
Classification: Uncertain significance. Last evaluated: 2026-02-01. Review status: criteria provided, single submitter. Criteria: Invitae Variant Classification Sherloc (09022015). Collection method: clinical testing. Allele origin: germline.
Comment: This sequence change replaces arginine, which is basic and polar, with glycine, which is neutral and non-polar, at codon 85 of the TNNI3K protein (p.Arg85Gly). This variant is present in population databases (rs752068095, gnomAD 0.03%). This variant has not been reported in the literature in individuals affected with TNNI3K-related conditions. ClinVar contains an entry for this variant (Variation ID: 3003737). Invitae Evidence Modeling of protein sequence and biophysical properties (such as structural, functional, and spatial information, amino acid conservation, physicochemical variation, residue mobility, and thermodynamic stability) indicates that this missense variant is not expected to disrupt TNNI3K protein function with a negative predictive value of 80%. In summary, the available evidence is currently insufficient to determine the role of this variant in disease. Therefore, it has been classified as a Variant of Uncertain Significance.